The following is an entry in ClinVar:

NM_001042492.3(NF1):c.5267_5268del (p.Lys1756fs)

Gene: NF1 (neurofibromin 1; plus strand). Cytogenetic location: 17q11.2.
Variant type: Deletion.
Coding change: c.5267_5268del on transcript NM_001042492.3 (MANE Select); coding-DNA positions 5267 to 5268, 2 bases deleted (AA; older notation c.5267_5268delAA).
Protein change: p.Lys1756fs; shifts the reading frame from lysine 1756.
Molecular consequence: frameshift variant.
Genome position (GRCh38, 1-based): chr17:31,326,251-31,326,252, AA deleted; deleting any 2 consecutive bases within chr17:31,326,250-31,326,252 gives the same sequence; the c. name uses the placement nearest the transcript's 3' end. VCF-style (leftmost placement, unchanged base first): chr17-31326249-TAA-T. GRCh37 (hg19) VCF-style: chr17-29653267-TAA-T.
Other names: c.5204_5205delAA, p.Lys1735Serfs (NM_000267.4); short protein forms K1735fs, K1756fs.
Identifiers: ClinVar variation 1072614 (VCV001072614.5), dbSNP rs2151539120, ClinGen allele CA2499224165.

ClinVar aggregate classification (germline): Pathogenic (1 of 4 stars; one submission).

Conditions:
Neurofibromatosis, type 1 (NF1). Also called: VON RECKLINGHAUSEN DISEASE; Peripheral type neurofibromatosis; NEUROFIBROMATOSIS, TYPE I, SOMATIC; Neurofibromatosis, type I. Identifiers: Orphanet 636, MedGen C0027831, MONDO:0018975, OMIM 162200. Disease mechanism: loss of function.

Submission:

Labcorp Genetics (formerly Invitae), Labcorp
Classification: Pathogenic for Neurofibromatosis, type 1. Last evaluated: 2020-02-25. Review status: criteria provided, single submitter. Criteria: Invitae Variant Classification Sherloc (09022015). Collection method: clinical testing. Allele origin: germline.
Comment: For these reasons, this variant has been classified as Pathogenic. Loss-of-function variants in NF1 are known to be pathogenic (PMID: 10712197, 23913538). Algorithms developed to predict the effect of sequence changes on RNA splicing suggest that this variant may disrupt the consensus splice site, but this prediction has not been confirmed by published transcriptional studies. This variant has not been reported in the literature in individuals with NF1-related conditions. This variant is not present in population databases (ExAC no frequency). This sequence change creates a premature translational stop signal (p.Lys1735Serfs*25) in the NF1 gene. It is expected to result in an absent or disrupted protein product.

Literature cited by the submitters: PubMed 10712197; PubMed 23913538.